The following is an entry in ClinVar:

NM_001349253.2(SCN11A):c.4309G>C (p.Val1437Leu)

Gene: SCN11A (sodium voltage-gated channel alpha subunit 11; minus strand). Cytogenetic location: 3p22.2.
Variant type: single nucleotide variant.
Coding change: c.4309G>C on transcript NM_001349253.2 (MANE Select); coding-DNA position 4309, G replaced by C.
Protein change: p.Val1437Leu; replaces valine 1437 with leucine.
Molecular consequence: missense variant.
Genome position (GRCh38, 1-based): chr3:38,850,499, C>G on the plus strand (G>C on the coding strand, the complement: SCN11A is on the minus strand). VCF-style: chr3-38850499-C-G. GRCh37 (hg19) VCF-style: chr3-38891990-C-G.
Other names: c.4309G>C, p.Val1437Leu (NM_014139.3); c.4309G>C (NM_014139.2); short protein forms V1437L.
Identifiers: ClinVar variation 1500708 (VCV001500708.7), dbSNP rs149699837, ClinGen allele CA2321556.

ClinVar aggregate classification (germline): Conflicting classifications of pathogenicity. Review status: criteria provided, conflicting classifications (1 of 4 stars). 2 submissions from 2 submitters: Uncertain significance (1); Likely benign (1). Last evaluated 2026-03-27.

Conditions:
Hereditary sensory and autonomic neuropathy type 7. Also called: HSAN VII; Neuropathy, hereditary sensory and autonomic, type VII. Identifiers: Orphanet 391397, MedGen C3809882, MONDO:0014244, OMIM 615548.
Familial episodic pain syndrome with predominantly lower limb involvement. Also called: Episodic pain syndrome, familial, 3. Identifiers: Orphanet 391384, Orphanet 391392, MedGen C3809899, MONDO:0014247, OMIM 615552.
SCN11A-related disorder. Also called: SCN11A-related condition.

Allele frequency attached by ClinVar (database versions not stated): 1000 Genomes Project 0.00040; 1000 Genomes Project 30x 0.00047.
gnomAD v4.1: 44 of 1,613,224 alleles (0.0027%); highest among the groups gnomAD compares: Admixed American, 0.033%; no homozygotes.

Submissions (2):

PreventionGenetics, part of Exact Sciences
Classification: Likely benign for SCN11A-related condition. Last evaluated: 2026-03-27. Review status: criteria provided, single submitter. Criteria: ACMG Guidelines, 2015. Collection method: clinical testing. Allele origin: germline.
Comment: This variant is classified as likely benign based on ACMG/AMP sequence variant interpretation guidelines (Richards et al. 2015 PMID: 25741868, with internal and published modifications).

Labcorp Genetics (formerly Invitae), Labcorp
Classification: Uncertain significance for Familial episodic pain syndrome with predominantly lower limb involvement; Hereditary sensory and autonomic neuropathy type 7. Last evaluated: 2025-12-09. Review status: criteria provided, single submitter. Criteria: Invitae Variant Classification Sherloc (09022015). Collection method: clinical testing. Allele origin: germline.
Comment: This sequence change replaces valine, which is neutral and non-polar, with leucine, which is neutral and non-polar, at codon 1437 of the SCN11A protein (p.Val1437Leu). This variant is present in population databases (rs149699837, gnomAD 0.05%), and has an allele count higher than expected for a pathogenic variant. This variant has not been reported in the literature in individuals affected with SCN11A-related conditions. ClinVar contains an entry for this variant (Variation ID: 1500708). Invitae Evidence Modeling of protein sequence and biophysical properties (such as structural, functional, and spatial information, amino acid conservation, physicochemical variation, residue mobility, and thermodynamic stability) indicates that this missense variant is not expected to disrupt SCN11A protein function with a negative predictive value of 80%. In summary, the available evidence is currently insufficient to determine the role of this variant in disease. Therefore, it has been classified as a Variant of Uncertain Significance.